The following is an entry in ClinVar:

NM_001110.4(ADAM10):c.55+10G>T

Gene: ADAM10 (ADAM metallopeptidase domain 10; minus strand). Cytogenetic location: 15q21.3.
Variant type: single nucleotide variant.
Coding change: c.55+10G>T on transcript NM_001110.4 (MANE Select); 10 bases into the intron after coding-DNA position 55, G replaced by T.
Molecular consequence: intron variant.
Genome position (GRCh38, 1-based): chr15:58,749,470, C>A on the plus strand (G>T on the coding strand, the complement: ADAM10 is on the minus strand). VCF-style: chr15-58749470-C-A. GRCh37 (hg19) VCF-style: chr15-59041669-C-A.
Other names: c.55+10G>T (NM_001320570.2).
Identifiers: ClinVar variation 3047265 (VCV003047265.2), dbSNP rs1347493623, ClinGen allele CA618160070.
Genomic context (GRCh38, chr15:58,749,470, plus strand): 5'-GGGCTCCGCTCGGCCCGGCCGCCGCTCCGCCGTGGTCGCGGCGCCCCCGGCGCTCGCAGT[C>A]GTGCCTCACCTCCCATCCCCGCCGCCCAGGAGAGGAGCAGAATTAACACTCTCAGCAACA-3'

ClinVar aggregate classification (germline): Likely benign (0 of 4 stars; one submission).

Conditions:
ADAM10-related disorder. Also called: ADAM10-related condition.

gnomAD v4.1: 2 of 1,541,050 alleles (0.00013%); highest among the groups gnomAD compares: Middle Eastern, 0.017%; no homozygotes.

Submission:

PreventionGenetics, part of Exact Sciences
Classification: Likely benign for ADAM10-related condition. Last evaluated: 2020-06-19. Review status: no assertion criteria provided. Collection method: clinical testing. Allele origin: germline.
Comment: This variant is classified as likely benign based on ACMG/AMP sequence variant interpretation guidelines (Richards et al. 2015 PMID: 25741868, with internal and published modifications).